The following is an entry in ClinVar:

NM_004655.4(AXIN2):c.1387del (p.Arg463fs)

Gene: AXIN2 (axin 2; minus strand). Cytogenetic location: 17q24.1.
Variant type: Deletion.
Coding change: c.1387del on transcript NM_004655.4 (MANE Select); coding-DNA position 1387, one base deleted (C; older notation c.1387delC).
Protein change: p.Arg463fs; shifts the reading frame from arginine 463.
Molecular consequence: frameshift variant.
Genome position (GRCh38, 1-based): chr17:65,537,649, G deleted on the plus strand (C on the coding strand, the reverse complement: AXIN2 is on the minus strand); the first of 5 consecutive G bases (chr17:65,537,649-65,537,653); deleting any one gives the same sequence. VCF-style (leftmost placement, unchanged base first): chr17-65537648-CG-C. GRCh37 (hg19) VCF-style: chr17-63533766-CG-C.
Other names: c.1387del, p.Arg463fs (NM_001363813.1); short protein forms R463fs.
Identifiers: ClinVar variation 4722168 (VCV004722168.1).

ClinVar aggregate classification (germline): Pathogenic (1 of 4 stars; one submission).

Conditions:
Oligodontia-cancer predisposition syndrome. Also called: TOOTH AGENESIS-COLORECTAL CANCER SYNDROME. Identifiers: Orphanet 300576, MedGen C1837750, MONDO:0012075, OMIM 608615. Disease mechanism: loss of function.

Submission:

Labcorp Genetics (formerly Invitae), Labcorp
Classification: Pathogenic for Oligodontia-cancer predisposition syndrome. Last evaluated: 2025-06-27. Review status: criteria provided, single submitter. Criteria: Invitae Variant Classification Sherloc (09022015). Collection method: clinical testing. Allele origin: germline.
Comment: This sequence change creates a premature translational stop signal (p.Arg463Alafs*44) in the AXIN2 gene. It is expected to result in an absent or disrupted protein product. Loss-of-function variants in AXIN2 are known to be pathogenic (PMID: 15042511, 21416598). This variant is not present in population databases (gnomAD no frequency). This variant has not been reported in the literature in individuals affected with AXIN2-related conditions. For these reasons, this variant has been classified as Pathogenic.

Literature cited by the submitters: PubMed 15042511; PubMed 21416598.